The following is an entry in ClinVar:

NM_001003841.3(SLC6A19):c.779C>T (p.Thr260Met)

Gene: SLC6A19 (solute carrier family 6 member 19; plus strand). Cytogenetic location: 5p15.33.
Variant type: single nucleotide variant.
Coding change: c.779C>T on transcript NM_001003841.3 (MANE Select); coding-DNA position 779, C replaced by T.
Protein change: p.Thr260Met; replaces threonine 260 with methionine.
Molecular consequence: missense variant.
Genome position (GRCh38, 1-based): chr5:1,213,957, C>T. VCF-style: chr5-1213957-C-T. GRCh37 (hg19) VCF-style: chr5-1214072-C-T.
Other names: short protein forms T260M.
Identifiers: ClinVar variation 1389398 (VCV001389398.6), dbSNP rs548464253, ClinGen allele CA3182893.
Genomic context (GRCh38, chr5:1,213,957, plus strand): 5'-AGGTCCCCATGGCCCCATCTGCACCATGAGTGGCTGAGGGTCTCCATGTGGCGCAGGTCA[C>T]GGAGCTGGCCCAGCCGGACACCTGGCTGGACGCGGGCGCACAGGTCTTCTTCTCCTTCTC-3'
Protein context (NP_001003841.1, residues 250-270): GIVFLFTPNV[Thr260Met]ELAQPDTWLD

ClinVar aggregate classification (germline): Uncertain significance. Review status: criteria provided, multiple submitters, no conflicts (2 of 4 stars). 2 submissions from 2 submitters: Uncertain significance (2). Last evaluated 2024-05-21.

Conditions:
Neutral 1 amino acid transport defect (HND). Also called: HARTNUP DISORDER; Hartnup disease. Identifiers: Orphanet 2116, MedGen C0018609, MONDO:0009324, OMIM 234500.

Allele frequency attached by ClinVar (database versions not stated): TOPMed 0.00005; gnomAD 0.00011 and 0.00012; gnomAD exomes 0.00013 and 0.00017; 1000 Genomes Project 30x 0.00016; 1000 Genomes Project 0.00020; ExAC 0.00021.
gnomAD v4.1: 218 of 1,613,158 alleles (0.014%); highest among the groups gnomAD compares: South Asian, 0.047%; 1 homozygote.

Submissions (2):

Fulgent Genetics
Classification: Uncertain significance for Neutral 1 amino acid transport defect. Last evaluated: 2024-05-21. Review status: criteria provided, single submitter. Criteria: ACMG Guidelines, 2015. Collection method: clinical testing. Allele origin: germline.

Labcorp Genetics (formerly Invitae), Labcorp
Classification: Uncertain significance. Last evaluated: 2022-07-12. Review status: criteria provided, single submitter. Criteria: Invitae Variant Classification Sherloc (09022015). Collection method: clinical testing. Allele origin: germline.
Comment: This sequence change replaces threonine, which is neutral and polar, with methionine, which is neutral and non-polar, at codon 260 of the SLC6A19 protein (p.Thr260Met). This variant is present in population databases (rs548464253, gnomAD 0.06%). This variant has not been reported in the literature in individuals affected with SLC6A19-related conditions. ClinVar contains an entry for this variant (Variation ID: 1389398). Advanced modeling of protein sequence and biophysical properties (such as structural, functional, and spatial information, amino acid conservation, physicochemical variation, residue mobility, and thermodynamic stability) performed at Invitae indicates that this missense variant is expected to disrupt SLC6A19 protein function. In summary, the available evidence is currently insufficient to determine the role of this variant in disease. Therefore, it has been classified as a Variant of Uncertain Significance.